The following is an entry in ClinVar:

ClinVar aggregate classification (germline): Pathogenic (1 of 4 stars; one submission).

Conditions:
Chédiak-Higashi syndrome (CHS). Also called: Chediak-Higashi Syndrome. Identifiers: Orphanet 167, MedGen C0007965, MONDO:0008963, OMIM 214500.

Submission:

Labcorp Genetics (formerly Invitae), Labcorp
Classification: Pathogenic for Chédiak-Higashi syndrome. Last evaluated: 2025-11-18. Review status: criteria provided, single submitter. Criteria: Invitae Variant Classification Sherloc (09022015). Collection method: clinical testing. Allele origin: germline.
Comment: This sequence change creates a premature translational stop signal (p.Ser1050*) in the LYST gene. It is expected to result in an absent or disrupted protein product. Loss-of-function variants in LYST are known to be pathogenic (PMID: 9215679, 11857544). This variant is not present in population databases (gnomAD no frequency). This variant has not been reported in the literature in individuals affected with LYST-related conditions. For these reasons, this variant has been classified as Pathogenic.

Literature cited by the submitters: PubMed 9215679; PubMed 11857544.

NM_000081.4(LYST):c.3149C>A (p.Ser1050Ter)

Gene: LYST (lysosomal trafficking regulator; minus strand). Cytogenetic location: 1q42.3.
Variant type: single nucleotide variant.
Coding change: c.3149C>A on transcript NM_000081.4 (MANE Select); coding-DNA position 3149, C replaced by A.
Protein change: p.Ser1050Ter; replaces serine 1050 with a stop codon.
Molecular consequence: nonsense.
Genome position (GRCh38, 1-based): chr1:235,805,987, G>T on the plus strand (C>A on the coding strand, the complement: LYST is on the minus strand). VCF-style: chr1-235805987-G-T. GRCh37 (hg19) VCF-style: chr1-235969287-G-T.
Other names: c.3149C>A, p.Ser1050Ter (NM_001301365.1); short protein forms S1050*.
Identifiers: ClinVar variation 4731488 (VCV004731488.1).